The following is an entry in ClinVar:

ClinVar aggregate classification (germline): Uncertain significance (1 of 4 stars; one submission).

Submission:

Labcorp Genetics (formerly Invitae), Labcorp
Classification: Uncertain significance. Last evaluated: 2022-05-27. Review status: criteria provided, single submitter. Criteria: Invitae Variant Classification Sherloc (09022015). Collection method: clinical testing. Allele origin: germline.
Comment: This sequence change replaces arginine, which is basic and polar, with alanine, which is neutral and non-polar, at codon 28 of the PDSS1 protein (p.Arg28Ala). Information on the frequency of this variant in the gnomAD database is not available, as this variant may be reported differently in the database. This variant has not been reported in the literature in individuals affected with PDSS1-related conditions. Algorithms developed to predict the effect of missense changes on protein structure and function are either unavailable or do not agree on the potential impact of this missense change (SIFT: "Not Available"; PolyPhen-2: "Benign"; Align-GVGD: "Not Available"). In summary, the available evidence is currently insufficient to determine the role of this variant in disease. Therefore, it has been classified as a Variant of Uncertain Significance.

NM_014317.5(PDSS1):c.82_83delinsGC (p.Arg28Ala)

Gene: PDSS1 (decaprenyl diphosphate synthase subunit 1; plus strand). Cytogenetic location: 10p12.1.
Variant type: Indel.
Coding change: c.82_83delinsGC on transcript NM_014317.5 (MANE Select); coding-DNA positions 82 to 83, CG replaced by GC.
Protein change: p.Arg28Ala; replaces arginine 28 with alanine.
Molecular consequence: missense variant. On other transcripts: 5 prime UTR variant (1).
Genome position (GRCh38, 1-based): chr10:26,697,793-26,697,794, CG replaced by GC. VCF-style: chr10-26697793-CG-GC. GRCh37 (hg19) VCF-style: chr10-26986722-CG-GC.
Other names: c.82_83delinsGC, p.Arg28Ala (NM_001321978.2); c.-512_-511delinsGC (NM_001321979.2); short protein forms R28A.
Identifiers: ClinVar variation 1924613 (VCV001924613.2), dbSNP rs2491495575, ClinGen allele CA2580081412.